The following is an entry in ClinVar:

NM_003151.4(STAT4):c.432G>T (p.Glu144Asp)

Gene: STAT4 (signal transducer and activator of transcription 4; minus strand). Cytogenetic location: 2q32.2.
Variant type: single nucleotide variant.
Coding change: c.432G>T on transcript NM_003151.4 (MANE Select); coding-DNA position 432, G replaced by T.
Protein change: p.Glu144Asp; replaces glutamic acid 144 with aspartic acid.
Molecular consequence: missense variant.
Genome position (GRCh38, 1-based): chr2:191,073,131, C>A on the plus strand (G>T on the coding strand, the complement: STAT4 is on the minus strand). VCF-style: chr2-191073131-C-A. GRCh37 (hg19) VCF-style: chr2-191937857-C-A.
Other names: c.432G>T, p.Glu144Asp (NM_001243835.2); short protein forms E144D.
Identifiers: ClinVar variation 3639131 (VCV003639131.2).

ClinVar aggregate classification (germline): Uncertain significance (1 of 4 stars; one submission).

Submission:

Labcorp Genetics (formerly Invitae), Labcorp
Classification: Uncertain significance. Last evaluated: 2024-02-06. Review status: criteria provided, single submitter. Criteria: Invitae Variant Classification Sherloc (09022015). Collection method: clinical testing. Allele origin: germline.
Comment: This sequence change replaces glutamic acid, which is acidic and polar, with aspartic acid, which is acidic and polar, at codon 144 of the STAT4 protein (p.Glu144Asp). This variant is not present in population databases (gnomAD no frequency). This variant has not been reported in the literature in individuals affected with STAT4-related conditions. An algorithm developed to predict the effect of missense changes on protein structure and function (PolyPhen-2) suggests that this variant is likely to be tolerated. In summary, the available evidence is currently insufficient to determine the role of this variant in disease. Therefore, it has been classified as a Variant of Uncertain Significance.